The following is an entry in ClinVar:

NM_014991.6(WDFY3):c.6535A>T (p.Ile2179Phe)

Gene: WDFY3 (WD repeat and FYVE domain containing 3; minus strand). Cytogenetic location: 4q21.23.
Variant type: single nucleotide variant.
Coding change: c.6535A>T on transcript NM_014991.6 (MANE Select); coding-DNA position 6535, A replaced by T.
Protein change: p.Ile2179Phe; replaces isoleucine 2179 with phenylalanine.
Molecular consequence: missense variant.
Genome position (GRCh38, 1-based): chr4:84,739,049, T>A on the plus strand (A>T on the coding strand, the complement: WDFY3 is on the minus strand). VCF-style: chr4-84739049-T-A. GRCh37 (hg19) VCF-style: chr4-85660202-T-A.
Other names: short protein forms I2179F.
Identifiers: ClinVar variation 3344029 (VCV003344029.1).

ClinVar aggregate classification (germline): Uncertain significance (0 of 4 stars; one submission).

Conditions:
WDFY3-related disorder.

Submission:

PreventionGenetics, part of Exact Sciences
Classification: Uncertain significance for WDFY3-related condition. Last evaluated: 2024-05-28. Review status: no assertion criteria provided. Collection method: clinical testing. Allele origin: germline.
Comment: The WDFY3 c.6535A>T variant is predicted to result in the amino acid substitution p.Ile2179Phe. To our knowledge, this variant has not been reported in the literature or in a large population database, indicating this variant is rare. At this time, the clinical significance of this variant is uncertain due to the absence of conclusive functional and genetic evidence.